The following is an entry in ClinVar:

NM_000492.4(CFTR):c.2238G>C (p.Glu746Asp)

Gene: CFTR (CF transmembrane conductance regulator; plus strand). Cytogenetic location: 7q31.2.
Variant type: single nucleotide variant.
Coding change: c.2238G>C on transcript NM_000492.4 (MANE Select); coding-DNA position 2238, G replaced by C.
Protein change: p.Glu746Asp; replaces glutamic acid 746 with aspartic acid.
Molecular consequence: missense variant.
Genome position (GRCh38, 1-based): chr7:117,592,405, G>C. VCF-style: chr7-117592405-G-C. GRCh37 (hg19) VCF-style: chr7-117232459-G-C.
Other names: short protein forms E746D.
Identifiers: ClinVar variation 2562521 (VCV002562521.2), dbSNP rs1792044553, ClinGen allele CA368980557.
Genomic context (GRCh38, chr7:117,592,405, plus strand): 5'-GGATTCTGATGAGCCTTTAGAGAGAAGGCTGTCCTTAGTACCAGATTCTGAGCAGGGAGA[G>C]GCGATACTGCCTCGCATCAGCGTGATCAGCACTGGCCCCACGCTTCAGGCACGAAGGAGG-3'
Protein context (NP_000483.3, residues 736-756): LSLVPDSEQG[Glu746Asp]AILPRISVIS

ClinVar aggregate classification (germline): Uncertain significance (1 of 4 stars; one submission).

Conditions:
Cystic fibrosis (CF). Also called: MUCOVISCIDOSIS. Identifiers: Orphanet 586, MedGen C0010674, MONDO:0009061, OMIM 219700. Disease mechanism: loss of function.

Submission:

Ambry Genetics
Classification: Uncertain significance for Cystic fibrosis. Last evaluated: 2023-06-12. Review status: criteria provided, single submitter. Criteria: Ambry Variant Classification Scheme 2023. Collection method: clinical testing. Allele origin: germline.
Comment: The p.E746D variant (also known as c.2238G>C), located in coding exon 14 of the CFTR gene, results from a G to C substitution at nucleotide position 2238. The glutamic acid at codon 746 is replaced by aspartic acid, an amino acid with highly similar properties. This amino acid position is conserved. In addition, the in silico prediction for this alteration is inconclusive. Since supporting evidence is limited at this time, the clinical significance of this alteration remains unclear.